The following is an entry in ClinVar:

ClinVar aggregate classification (germline): Pathogenic (1 of 4 stars; one submission).

Conditions:
Familial adenomatous polyposis 1 (FAP1). Also called: FAMILIAL ADENOMATOUS POLYPOSIS 1, ATTENUATED; POLYPOSIS, ADENOMATOUS INTESTINAL. Identifiers: MedGen C2713442, MONDO:0021056, OMIM 175100. Disease mechanism: loss of function.

Submission:

Labcorp Genetics (formerly Invitae), Labcorp
Classification: Pathogenic for Familial adenomatous polyposis 1. Last evaluated: 2016-07-10. Review status: criteria provided, single submitter. Criteria: Invitae Variant Classification Sherloc (09022015). Collection method: clinical testing. Allele origin: germline.
Comment: This sequence change deletes 1 nucleotide from exon 16 of the APC mRNA (c.2098delG), causing a frameshift at codon 700. This creates a premature translational stop signal (p.Asp700Thrfs*18) and is expected to result in an absent or disrupted protein product. While this particular variant has not been reported in the literature, truncating variants in APC are known to be pathogenic (PMID: 20685668, 17963004). For these reasons, this variant has been classified as Pathogenic.

Literature cited by the submitters: PubMed 20685668; PubMed 17963004.

NM_000038.6(APC):c.2098del (p.Asp700fs)

Gene: APC (APC regulator of Wnt signaling pathway; plus strand). Cytogenetic location: 5q22.2.
Variant type: Deletion.
Coding change: c.2098del on transcript NM_000038.6 (MANE Select); coding-DNA position 2098, one base deleted (G; older notation c.2098delG).
Protein change: p.Asp700fs; shifts the reading frame from aspartic acid 700.
Molecular consequence: frameshift variant.
Genome position (GRCh38, 1-based): chr5:112,837,692, G deleted; the last of 3 consecutive G bases (chr5:112,837,690-112,837,692); deleting any one gives the same sequence. VCF-style (leftmost placement, unchanged base first): chr5-112837689-TG-T. GRCh37 (hg19) VCF-style: chr5-112173386-TG-T.
Other names: c.2098del, p.Asp700fs (NM_001127510.3, NM_001354895.2); c.2128del, p.Asp710fs (NM_001354897.2); c.2044del, p.Asp682fs (NM_001127511.3); c.2152del, p.Asp718fs (NM_001354896.2); c.2023del, p.Asp675fs (NM_001354898.2); c.2014del, p.Asp672fs (NM_001354899.2); c.1975del, p.Asp659fs (NM_001354900.2); c.1921del, p.Asp641fs (NM_001354901.2); and 5 more; short protein forms D540fs, D659fs, D675fs, D417fs, D609fs, D682fs, D710fs, D574fs.
Identifiers: ClinVar variation 411439 (VCV000411439.10), dbSNP rs1060503305, ClinGen allele CA16611583.